The following is an entry in ClinVar:

NM_000257.4(MYH7):c.1396G>C (p.Glu466Gln)

Gene: MYH7 (myosin heavy chain 7; minus strand). Cytogenetic location: 14q11.2.
Variant type: single nucleotide variant.
Coding change: c.1396G>C on transcript NM_000257.4 (MANE Select); coding-DNA position 1396, G replaced by C.
Protein change: p.Glu466Gln; replaces glutamic acid 466 with glutamine.
Molecular consequence: missense variant.
Genome position (GRCh38, 1-based): chr14:23,428,966, C>G on the plus strand (G>C on the coding strand, the complement: MYH7 is on the minus strand). VCF-style: chr14-23428966-C-G. GRCh37 (hg19) VCF-style: chr14-23898175-C-G.
Other names: c.1396G>C (LRG_384t1); short protein forms E466Q.
Identifiers: ClinVar variation 430376 (VCV000430376.19), dbSNP rs4981473, ClinGen allele CA257823295.
Genomic context (GRCh38, chr14:23,428,966, plus strand): 5'-TGGGAGCGAGTGAGTGATTGTTCTCCCACTCCCAGGGGTCCCAACTCACATCGAAGATCT[C>G]GAAGCCAGCGATGTCCAGGACTCCTATGAAGTACTGGCGTGGCTGCTTGGTCTCCAGGGT-3'
Protein context (NP_000248.2, residues 456-476): FIGVLDIAGF[Glu466Gln]IFDFNSFEQL

ClinVar aggregate classification (germline): Conflicting classifications of pathogenicity. Review status: criteria provided, conflicting classifications (1 of 4 stars). 4 submissions from 4 submitters: Likely pathogenic (2); Uncertain significance (2). Last evaluated 2026-02-02.

Conditions:
Cardiovascular phenotype. Identifiers: MedGen CN230736.
Hypertrophic cardiomyopathy. Also called: HYPERTROPHIC MYOCARDIOPATHY. Identifiers: Orphanet 217569, MedGen C0007194, MeSH D002312, MONDO:0005045, HP:0001639.

Submissions (4):

Ambry Genetics
Classification: Uncertain significance for Cardiovascular phenotype. Last evaluated: 2026-02-02. Review status: criteria provided, single submitter. Criteria: Ambry Variant Classification Scheme 2023. Collection method: clinical testing. Allele origin: germline.
Comment: The p.E466Q variant (also known as c.1396G>C), located in coding exon 12 of the MYH7 gene, results from a G to C substitution at nucleotide position 1396. The glutamic acid at codon 466 is replaced by glutamine, an amino acid with highly similar properties. This variant was reported in individual(s) with features consistent with dilated cardiomyopathy (DCM) (Horvat C et al. Genet Med, 2019 01;21:133-143; de Frutos F et al. J Am Heart Assoc, 2024 Nov;13:e036208; Ambry internal data). This amino acid position is highly conserved in available vertebrate species. In addition, this alteration is predicted to be deleterious by in silico analysis. Since supporting evidence is limited at this time, the clinical significance of this alteration remains unclear.

Labcorp Genetics (formerly Invitae), Labcorp
Classification: Uncertain significance for Hypertrophic cardiomyopathy. Last evaluated: 2024-05-27. Review status: criteria provided, single submitter. Criteria: Invitae Variant Classification Sherloc (09022015). Collection method: clinical testing. Allele origin: germline.
Comment: This sequence change replaces glutamic acid, which is acidic and polar, with glutamine, which is neutral and polar, at codon 466 of the MYH7 protein (p.Glu466Gln). This variant is not present in population databases (gnomAD no frequency). This missense change has been observed in individual(s) with dilated cardiomyopathy (PMID: 29892087). ClinVar contains an entry for this variant (Variation ID: 430376). Advanced modeling of protein sequence and biophysical properties (such as structural, functional, and spatial information, amino acid conservation, physicochemical variation, residue mobility, and thermodynamic stability) performed at Invitae indicates that this missense variant is expected to disrupt MYH7 protein function with a positive predictive value of 95%. In summary, the available evidence is currently insufficient to determine the role of this variant in disease. Therefore, it has been classified as a Variant of Uncertain Significance.

GeneDx
Classification: Likely pathogenic. Last evaluated: 2022-07-12. Review status: criteria provided, single submitter. Criteria: GeneDx Variant Classification Process June 2021. Collection method: clinical testing. Allele origin: germline. Affected: yes.
Comment: Not observed at significant frequency in large population cohorts (gnomAD); In silico analysis, which includes protein predictors and evolutionary conservation, supports a deleterious effect; This variant is associated with the following publications: (PMID: 23403236, 27532257, 29300372, 29892087)

ARUP Laboratories, Molecular Genetics and Genomics, ARUP Laboratories
Classification: Likely pathogenic. Last evaluated: 2018-10-01. Review status: criteria provided, single submitter. Criteria: ARUP Molecular Germline Variant Investigation Process. Collection method: clinical testing. Allele origin: germline.
Comment: The MYH7 c.1396G>C; p.Glu466Gln variant (rs4981473), to our knowledge, is not reported in the medical literature but is reported in ClinVar (Variation ID: 430376). According to data provided to ARUP Laboratories from GeneDx, this variant was identified in two individuals with personal diagnoses and family histories of cardiomyopathy. This variant is absent from general population databases (Exome Variant Server, Genome Aggregation Database), indicating it is not a common polymorphism. The glutamate at codon 466 is highly conserved, and it occurs in a highly conserved switch II domain involved in ATP binding and hydrolysis, activities necessary for myosin motor function (Furch 1999, Llinas 2015, Sasaki 1998). Biochemical characterization of Dictyostelium myosin-2 indicates that the orthologous glutamate is involved in a functionally important salt bridge, and substitution to either arginine or alanine significantly reduces ATP hydrolysis and disrupts myosin motility along actin filaments (Furch 1999, Sasaki 1998). Consistent with functional studies of orthologous proteins, computational predictors (SIFT, PolyPhen-2) predict that the MYH7 p.Glu466Gln variant is deleterious (Kumar 2013). Based on available information, this variant is considered to be likely pathogenic. References: Furch M et al. Role of the salt-bridge between switch-1 and switch-2 of Dictyostelium myosin. J Mol Biol. 1999 Jul 16;290(3):797-809. Kumar A et al. Roadmap to determine the point mutations involved in cardiomyopathy disorder: a Bayesian approach. Gene. 2013 Apr 25;519(1):34-40. Llinas P et al. How actin initiates the motor activity of Myosin. Dev Cell. 2015 May 26;33(4):401-12. Sasaki N et al. Mutational analysis of the switch II loop of Dictyostelium myosin II. J Biol Chem. 1998 Aug 7;273(32):20334-40.

Literature cited by the submitters: PubMed 29892087 (cited by Ambry Genetics and Labcorp Genetics (formerly Invitae), Labcorp); PubMed 39494569 (cited by Ambry Genetics).